The following is an entry in ClinVar:

NM_000789.4(ACE):c.460G>A (p.Ala154Thr)

Gene: ACE (angiotensin I converting enzyme; plus strand). Cytogenetic location: 17q23.3.
Variant type: single nucleotide variant.
Coding change: c.460G>A on transcript NM_000789.4 (MANE Select); coding-DNA position 460, G replaced by A.
Protein change: p.Ala154Thr; replaces alanine 154 with threonine.
Molecular consequence: missense variant.
Genome position (GRCh38, 1-based): chr17:63,479,049, G>A. VCF-style: chr17-63479049-G-A. GRCh37 (hg19) VCF-style: chr17-61556410-G-A.
Other names: short protein forms A154T.
Identifiers: ClinVar variation 892185 (VCV000892185.12), dbSNP rs13306087, ClinGen allele CA8699081.
Genomic context (GRCh38, chr17:63,479,049, plus strand): 5'-TCCCCTCTGACTCCCCAGTACAACGCCCTGCTAAGCAACATGAGCAGGATCTACTCCACC[G>A]CCAAGGTCTGCCTCCCCAACAAGACTGCCACCTGCTGGTCCCTGGACCCAGGTACGGCCC-3'
Protein context (NP_000780.1, residues 144-164): LSNMSRIYST[Ala154Thr]KVCLPNKTAT

ClinVar aggregate classification (germline): Benign. Review status: criteria provided, multiple submitters, no conflicts (2 of 4 stars). 2 submissions from 2 submitters: Benign (2). Last evaluated 2025-12-01.

Conditions:
Renal tubular dysgenesis. Also called: Renotubular dysgenesis. Identifiers: Orphanet 3033, MedGen C0266313, MONDO:0017609, HP:0008660.

Allele frequency attached by ClinVar (database versions not stated): ESP Exome Variant Server 0.00008; gnomAD exomes 0.00023 and 0.00084; gnomAD 0.00044 and 0.00056; TOPMed 0.00058; ExAC 0.00090; 1000 Genomes Project 30x 0.00203; 1000 Genomes Project 0.00220.
gnomAD v4.1: 491 of 1,613,538 alleles (0.03%); highest among the groups gnomAD compares: East Asian, 0.77%; 2 homozygotes.

Submissions (2):

Labcorp Genetics (formerly Invitae), Labcorp
Classification: Benign. Last evaluated: 2025-12-01. Review status: criteria provided, single submitter. Criteria: Invitae Variant Classification Sherloc (09022015). Collection method: clinical testing. Allele origin: germline.

Illumina Laboratory Services, Illumina
Classification: Benign for Renal tubular dysgenesis of genetic origin. Last evaluated: 2017-04-27. Review status: criteria provided, single submitter. Criteria: ICSL Variant Classification Criteria 13 December 2019. Collection method: clinical testing. Allele origin: germline.
Comment: This variant was observed as part of a predisposition screen in an ostensibly healthy population. A literature search was performed for the gene, cDNA change, and amino acid change (where applicable). Publications were found based on this search. The evidence from the literature, in combination with allele frequency data from public databases where available, was sufficient to rule this variant out of causing disease. Therefore, this variant is classified as benign.

Literature cited by the submitters: PubMed 20416077 (cited by Illumina Laboratory Services, Illumina).